The following is an entry in ClinVar:

NM_004082.5(DCTN1):c.1288-10C>G

Gene: DCTN1 (dynactin subunit 1; minus strand). Cytogenetic location: 2p13.1.
Variant type: single nucleotide variant.
Coding change: c.1288-10C>G on transcript NM_004082.5 (MANE Select); 10 bases into the intron before coding-DNA position 1288, C replaced by G.
Molecular consequence: intron variant.
Genome position (GRCh38, 1-based): chr2:74,370,079, G>C on the plus strand (C>G on the coding strand, the complement: DCTN1 is on the minus strand). VCF-style: chr2-74370079-G-C. GRCh37 (hg19) VCF-style: chr2-74597206-G-C.
Other names: p.?; c.1177-10C>G (NM_001190836.2); c.1219-10C>G (NM_001378992.1); c.1237-10C>G (NM_001378991.1); c.1228-10C>G (NM_001135040.3); c.1267-10C>G (NM_001190837.2); c.886-10C>G (NM_001135041.3, NM_023019.4).
Identifiers: ClinVar variation 662913 (VCV000662913.12), dbSNP rs72659375, ClinGen allele CA915944054.

ClinVar aggregate classification (germline): Uncertain significance. Review status: criteria provided, multiple submitters, no conflicts (2 of 4 stars). 2 submissions from 2 submitters: Uncertain significance (2). Last evaluated 2025-03-10.

Conditions:
Amyotrophic lateral sclerosis type 1 (ALS1). Also called: AMYOTROPHIC LATERAL SCLEROSIS 1, FAMILIAL. Identifiers: Orphanet 803, MedGen C1862939, MONDO:0007103, OMIM 105400.
Perry syndrome. Also called: PARKINSONISM WITH ALVEOLAR HYPOVENTILATION AND MENTAL DEPRESSION. Identifiers: Orphanet 178509, MedGen C1868594, MONDO:0008201, OMIM 168605.
Neuronopathy, distal hereditary motor, type 7B. Also called: NEURONOPATHY, DISTAL HEREDITARY MOTOR, AUTOSOMAL DOMINANT 14; NEURONOPATHY, DISTAL HEREDITARY MOTOR, HARDING TYPE VIIB; NEUROPATHY, DISTAL HEREDITARY MOTOR, HARDING TYPE VIIB; NEUROPATHY, DISTAL HEREDITARY MOTOR, WITH VOCAL CORD PARALYSIS, HARDING TYPE VIIB; HMN VIIB; LOWER MOTOR NEURON DISEASE, DYNACTIN TYPE. Identifiers: Orphanet 139589, MedGen C1843315, MONDO:0011879, OMIM 607641.

gnomAD v4.1: 11 of 1,614,140 alleles (0.00068%); highest among the groups gnomAD compares: Non-Finnish European, 0.00093%; no homozygotes.

Submissions (2):

Labcorp Genetics (formerly Invitae), Labcorp
Classification: Uncertain significance for Amyotrophic lateral sclerosis type 1; Neuronopathy, distal hereditary motor, type 7B; Perry syndrome. Last evaluated: 2025-03-10. Review status: criteria provided, single submitter. Criteria: Invitae Variant Classification Sherloc (09022015). Collection method: clinical testing. Allele origin: germline.
Comment: This sequence change falls in intron 12 of the DCTN1 gene. It does not directly change the encoded amino acid sequence of the DCTN1 protein. This variant is not present in population databases (gnomAD no frequency). This variant has been observed in individual(s) with amyotrophic lateral sclerosis (PMID: 37223130). ClinVar contains an entry for this variant (Variation ID: 662913). Algorithms developed to predict the effect of sequence changes on RNA splicing suggest that this variant may disrupt the consensus splice site. In summary, the available evidence is currently insufficient to determine the role of this variant in disease. Therefore, it has been classified as a Variant of Uncertain Significance.

Mayo Clinic Laboratories, Mayo Clinic
Classification: Uncertain significance. Last evaluated: 2024-03-05. Review status: criteria provided, single submitter. Criteria: ACMG Guidelines, 2015. Collection method: clinical testing. Allele origin: germline. Observed: 1 variant allele.

Literature cited by the submitters: PubMed 37223130 (cited by Labcorp Genetics (formerly Invitae), Labcorp and Mayo Clinic Laboratories, Mayo Clinic).